The following is an entry in ClinVar:

NM_004991.4(MECOM):c.904T>C (p.Trp302Arg)

Gene: MECOM (MDS1 and EVI1 complex locus; minus strand). Cytogenetic location: 3q26.2.
Variant type: single nucleotide variant.
Coding change: c.904T>C on transcript NM_004991.4 (MANE Select); coding-DNA position 904, T replaced by C.
Protein change: p.Trp302Arg; replaces tryptophan 302 with arginine.
Molecular consequence: missense variant.
Genome position (GRCh38, 1-based): chr3:169,122,654, A>G on the plus strand (T>C on the coding strand, the complement: MECOM is on the minus strand). VCF-style: chr3-169122654-A-G. GRCh37 (hg19) VCF-style: chr3-168840442-A-G.
Other names: c.532T>C, p.Trp178Arg (NM_001105077.4); c.340T>C, p.Trp114Arg (NM_001105078.4, NM_001163999.2, NM_001164000.2 and 9 more transcripts); c.904T>C, p.Trp302Arg (NM_001366466.2, NM_001366473.2); short protein forms W114R, W178R, W302R.
Identifiers: ClinVar variation 3293938 (VCV003293938.2).
Genomic context (GRCh38, chr3:169,122,654, plus strand): 5'-CACATTCATAGTGCTTTCCACTGTCATGTGACATCTGGTGGCGAATTAAATTGGACTTCC[A>G]GTTAAATGCCTTGGGACACTGATCACACTTGTATTCCCTCTCTTCAGTATGTGACAGCAT-3'
Protein context (NP_004982.2, residues 292-312): KCDQCPKAFN[Trp302Arg]KSNLIRHQMS

ClinVar aggregate classification (germline): Uncertain significance (1 of 4 stars; one submission).

Conditions:
Inborn genetic diseases. Identifiers: MedGen C0950123, MeSH D030342.

Submission:

Ambry Genetics
Classification: Uncertain significance for Inborn genetic diseases. Last evaluated: 2026-02-23. Review status: criteria provided, single submitter. Criteria: Ambry Variant Classification Scheme 2023. Collection method: clinical testing. Allele origin: germline.
Comment: The p.W302R variant (also known as c.904T>C), located in coding exon 6 of the MECOM gene, results from a T to C substitution at nucleotide position 904. The tryptophan at codon 302 is replaced by arginine, an amino acid with dissimilar properties. This amino acid position is conserved. In addition, the in silico prediction for this alteration is inconclusive. Based on the available evidence, the clinical significance of this variant remains unclear.